The following is an entry in ClinVar:

NM_152564.5(VPS13B):c.4762G>C (p.Gly1588Arg)

Gene: VPS13B (vacuolar protein sorting 13 homolog B; plus strand). Cytogenetic location: 8q22.2.
Variant type: single nucleotide variant.
Coding change: c.4762G>C on transcript NM_152564.5 (MANE Select); coding-DNA position 4762, G replaced by C.
Protein change: p.Gly1588Arg; replaces glycine 1588 with arginine.
Molecular consequence: missense variant.
Genome position (GRCh38, 1-based): chr8:99,556,466, G>C. VCF-style: chr8-99556466-G-C. GRCh37 (hg19) VCF-style: chr8-100568694-G-C.
Other names: c.4837G>C, p.Gly1613Arg (NM_017890.5); short protein forms G1588R, G1613R.
Identifiers: ClinVar variation 4983705 (VCV004983705.1).

ClinVar aggregate classification (germline): Uncertain significance (1 of 4 stars; one submission).

Conditions:
VPS13B-related disorder. Also called: VPS13B-related condition.

gnomAD v4.1: 4 of 1,612,572 alleles (0.00025%); highest among the groups gnomAD compares: East Asian, 0.0045%; no homozygotes.

Submission:

PreventionGenetics, part of Exact Sciences
Classification: Uncertain significance for VPS13B-related condition. Last evaluated: 2026-01-16. Review status: criteria provided, single submitter. Criteria: ACMG Guidelines, 2015. Collection method: clinical testing. Allele origin: germline.
Comment: The VPS13B c.4762G>C variant is predicted to result in the amino acid substitution p.Gly1588Arg. To our knowledge, this variant has not been reported in the literature. This variant is reported in 0.011% of alleles in individuals of East Asian descent in gnomAD. At this time, the clinical significance of this variant is uncertain due to the absence of conclusive functional and genetic evidence.